The following is an entry in ClinVar:

NM_025114.4(CEP290):c.6098A>G (p.Glu2033Gly)

Gene: CEP290 (centrosomal protein 290; minus strand). Cytogenetic location: 12q21.32.
Variant type: single nucleotide variant.
Coding change: c.6098A>G on transcript NM_025114.4 (MANE Select); coding-DNA position 6098, A replaced by G.
Protein change: p.Glu2033Gly; replaces glutamic acid 2033 with glycine.
Molecular consequence: missense variant.
Genome position (GRCh38, 1-based): chr12:88,068,559, T>C on the plus strand (A>G on the coding strand, the complement: CEP290 is on the minus strand). VCF-style: chr12-88068559-T-C. GRCh37 (hg19) VCF-style: chr12-88462336-T-C.
Other names: c.6098A>G (NM_025114.3); short protein forms E2033G.
Identifiers: ClinVar variation 806917 (VCV000806917.49), dbSNP rs756608200, ClinGen allele CA6711577.

ClinVar aggregate classification (germline): Uncertain significance. Review status: criteria provided, multiple submitters, no conflicts (2 of 4 stars). 5 submissions from 5 submitters: Uncertain significance (5). Last evaluated 2026-09-25.

Conditions:
Senior-Loken syndrome 6 (SLSN6). Identifiers: Orphanet 3156, MedGen C1857779, MONDO:0012433, OMIM 610189.
Meckel syndrome, type 4 (MKS4). Also called: MECKEL-GRUBER SYNDROME, TYPE 4. Identifiers: Orphanet 564, MedGen C1970161, MONDO:0012626, OMIM 611134.
Bardet-Biedl syndrome 14 (BBS14). Identifiers: Orphanet 110, MedGen C2673874, MONDO:0014442, OMIM 615991.
Leber congenital amaurosis 10 (LCA10). Identifiers: Orphanet 65, MedGen C1857821, MONDO:0012723, OMIM 611755.
Joubert syndrome 5 (JBTS5). Identifiers: Orphanet 2318, MedGen C1857780, MONDO:0012432, OMIM 610188.
CEP290-related disorder. Also called: CEP290-related disorders; CEP290-related condition. Identifiers: MedGen CN239314.
Joubert syndrome. Also called: JOUBERT-BOLTSHAUSER SYNDROME; Familial aplasia of the vermis. Identifiers: Orphanet 475, MedGen C5979921, MONDO:0018772.
Meckel-Gruber syndrome. Also called: DYSENCEPHALIA SPLANCHNOCYSTICA; GRUBER SYNDROME; Dysencephalia splachnocystica. Identifiers: Orphanet 564, MedGen C0265215, MONDO:0018921.
Nephronophthisis. Also called: Juvenile Nephronophthisis. Identifiers: Orphanet 655, MedGen C0687120, MONDO:0019005, HP:0000090.

Allele frequency attached by ClinVar (database versions not stated): ExAC 0.00001; gnomAD 0.00001; gnomAD exomes 0.00001 and 0.00002; TOPMed 0.00001.
gnomAD v4.1: 24 of 1,582,954 alleles (0.0015%); highest among the groups gnomAD compares: Non-Finnish European, 0.0017%; no homozygotes.

Submissions (5):

PreventionGenetics, part of Exact Sciences
Classification: Uncertain significance for CEP290-related condition. Last evaluated: 2026-09-25. Review status: criteria provided, single submitter. Criteria: ACMG Guidelines, 2015. Collection method: clinical testing. Allele origin: germline.
Comment: The CEP290 c.6098A>G variant is predicted to result in the amino acid substitution p.Glu2033Gly. To our knowledge, this variant has not been reported in the literature. This variant is reported in 0.0019% of alleles in individuals of European (Non-Finnish) descent in gnomAD. At this time, the clinical significance of this variant is uncertain due to the absence of conclusive functional and genetic evidence.

Blueprint Genetics
Classification: Uncertain significance. Last evaluated: 2023-11-28. Review status: criteria provided, single submitter. Criteria: ACMG Guidelines, 2015. Collection method: clinical testing. Allele origin: germline.

Labcorp Genetics (formerly Invitae), Labcorp
Classification: Uncertain significance for Joubert syndrome; Meckel-Gruber syndrome; Nephronophthisis. Last evaluated: 2023-11-07. Review status: criteria provided, single submitter. Criteria: Invitae Variant Classification Sherloc (09022015). Collection method: clinical testing. Allele origin: germline.
Comment: This sequence change replaces glutamic acid, which is acidic and polar, with glycine, which is neutral and non-polar, at codon 2033 of the CEP290 protein (p.Glu2033Gly). This variant is present in population databases (rs756608200, gnomAD 0.0009%). This missense change has been observed in individual(s) with retinitis pigmentosa (Invitae). ClinVar contains an entry for this variant (Variation ID: 806917). Advanced modeling of protein sequence and biophysical properties (such as structural, functional, and spatial information, amino acid conservation, physicochemical variation, residue mobility, and thermodynamic stability) performed at Invitae indicates that this missense variant is expected to disrupt CEP290 protein function with a positive predictive value of 80%. In summary, the available evidence is currently insufficient to determine the role of this variant in disease. Therefore, it has been classified as a Variant of Uncertain Significance.

Fulgent Genetics
Classification: Uncertain significance for Joubert syndrome 5; Senior-Loken syndrome 6; Meckel syndrome, type 4; Leber congenital amaurosis 10; Bardet-Biedl syndrome 14. Last evaluated: 2021-12-23. Review status: criteria provided, single submitter. Criteria: ACMG Guidelines, 2015. Collection method: clinical testing. Allele origin: unknown.

CeGaT Center for Human Genetics Tuebingen
Classification: Uncertain significance. Last evaluated: 2020-06-01. Review status: criteria provided, single submitter. Criteria: CeGaT Center For Human Genetics Tuebingen Variant Classification Criteria Version 2. Collection method: clinical testing. Allele origin: germline. Affected: yes. Observed: 1 variant allele.